The following is an entry in ClinVar:

ClinVar aggregate classification (germline): Conflicting classifications of pathogenicity. Review status: criteria provided, conflicting classifications (1 of 4 stars). 3 submissions from 3 submitters: Uncertain significance (1); Benign (1). 1 of the submissions does not count toward it. Last evaluated 2026-04-01.

Conditions:
DYRK1A-related intellectual disability syndrome (MRD7). Also called: DYRK1A Syndrome; Intellectual developmental disorder, autosomal dominant 7. Identifiers: Orphanet 464306, MedGen C5568143, MONDO:0013578, OMIM 614104.

Allele frequency attached by ClinVar (database versions not stated): gnomAD exomes below 0.00001; gnomAD 0.00001.
gnomAD v4.1: 3 of 1,608,600 alleles (0.00019%); highest among the groups gnomAD compares: Middle Eastern, 0.016%; no homozygotes.

Submissions (3):

CeGaT Center for Human Genetics Tuebingen
Classification: Uncertain significance. Last evaluated: 2026-04-01. Review status: criteria provided, single submitter. Criteria: CeGaT Center For Human Genetics Tuebingen Variant Classification Criteria Version 2. Collection method: clinical testing. Allele origin: germline. Affected: yes. Observed: 1 variant allele.
Comment: DYRK1A: PP2, BP4

Labcorp Genetics (formerly Invitae), Labcorp
Classification: Benign for DYRK1A-related intellectual disability syndrome. Last evaluated: 2024-08-05. Review status: criteria provided, single submitter. Criteria: Invitae Variant Classification Sherloc (09022015). Collection method: clinical testing. Allele origin: germline.

Department of Pathology and Laboratory Medicine, Sinai Health System
Classification: Uncertain significance. Review status: no assertion criteria provided. Collection method: clinical testing. Allele origin: unknown. Affected: yes. Study: The Canadian Open Genetics Repository (COGR). Not counted in ClinVar's aggregate classification.
Comment: The DYRK1A p.Gln23Glu variant was not identified in the literature nor was it identified in the dbSNP, ClinVar, Cosmic or LOVD 3.0 databases. The variant was not identified in the following control databases: the 1000 Genomes Project, the NHLBI GO Exome Sequencing Project, the Exome Aggregation Consortium (August 8th 2016), or the Genome Aggregation Database (Feb 27, 2017). The p.Gln23Glu residue is conserved in mammals but not in more distantly related organisms and four out of five computational analyses (PolyPhen-2, SIFT, AlignGVGD, and BLOSUM) do not suggest a high likelihood of impact to the protein; however, this information is not predictive enough to rule out pathogenicity. In summary, based on the above information the clinical significance of this variant cannot be determined with certainty at this time. This variant is classified as a variant of uncertain significance.

NM_001347721.2(DYRK1A):c.154C>G (p.Gln52Glu)

Gene: DYRK1A (dual specificity tyrosine phosphorylation regulated kinase 1A; plus strand). Cytogenetic location: 21q22.13.
Variant type: single nucleotide variant.
Coding change: c.154C>G on transcript NM_001347721.2 (MANE Select); coding-DNA position 154, C replaced by G.
Protein change: p.Gln52Glu; replaces glutamine 52 with glutamic acid.
Molecular consequence: missense variant.
Genome position (GRCh38, 1-based): chr21:37,472,827, C>G. VCF-style: chr21-37472827-C-G. GRCh37 (hg19) VCF-style: chr21-38845129-C-G.
Other names: c.154C>G, p.Gln52Glu (NM_001347722.2, NM_001396.5, NM_101395.2 and 2 more transcripts); c.67C>G, p.Gln23Glu (NM_001347723.2); short protein forms Q23E, Q52E.
Identifiers: ClinVar variation 1049293 (VCV001049293.9), dbSNP rs1555977083, ClinGen allele CA409942615.